The following is an entry in ClinVar:

ClinVar aggregate classification (germline): Benign/Likely benign. Review status: criteria provided, multiple submitters, no conflicts (2 of 4 stars). 12 submissions from 12 submitters: Benign (5); Likely benign (7). Last evaluated 2026-05-15.

Conditions:
Hereditary cancer-predisposing syndrome. Also called: Tumor predisposition; Neoplastic Syndromes, Hereditary; Hereditary neoplastic syndrome; Hereditary Cancer Syndrome. Identifiers: Orphanet 140162, MedGen C0027672, MeSH D009386, MONDO:0015356.
Neurofibromatosis, type 1 (NF1). Also called: NEUROFIBROMATOSIS, TYPE I, SOMATIC; Peripheral type neurofibromatosis; VON RECKLINGHAUSEN DISEASE; Neurofibromatosis, type I. Identifiers: Orphanet 636, MedGen C0027831, MONDO:0018975, OMIM 162200. Disease mechanism: loss of function.

Allele frequency attached by ClinVar (database versions not stated): ExAC 0.00008; ESP Exome Variant Server 0.00008; gnomAD 0.00011 and 0.00013; TOPMed 0.00017; gnomAD exomes 0.00016 and 0.00017.
gnomAD v4.1: 267 of 1,613,808 alleles (0.017%); highest among the groups gnomAD compares: Middle Eastern, 0.082%; 2 homozygotes.

Submissions (12):

Myriad Genetics, Inc.
Classification: Benign for Neurofibromatosis, type 1. Last evaluated: 2026-05-15. Review status: criteria provided, single submitter. Criteria: Myriad Autosomal Dominant, Autosomal Recessive and X-Linked Classification Criteria (2023). Collection method: clinical testing. Allele origin: unknown.
Comment: This variant is considered benign. This variant is a silent/synonymous amino acid change and it is not expected to impact splicing.

Labcorp Genetics (formerly Invitae), Labcorp
Classification: Benign for Neurofibromatosis, type 1. Last evaluated: 2026-02-01. Review status: criteria provided, single submitter. Criteria: Invitae Variant Classification Sherloc (09022015). Collection method: clinical testing. Allele origin: germline.

Blueprint Genetics
Classification: Likely benign. Last evaluated: 2024-10-31. Review status: criteria provided, single submitter. Criteria: ACMG Guidelines, 2015. Collection method: clinical testing. Allele origin: germline.

Quest Diagnostics Nichols Institute San Juan Capistrano
Classification: Benign. Last evaluated: 2023-10-18. Review status: criteria provided, single submitter. Criteria: Quest Diagnostics criteria. Collection method: clinical testing. Allele origin: unknown.
Comment: The frequency of this variant in the general population is higher than would generally be expected for pathogenic variants in this gene. Computational tools yielded predictions that this variant is unlikely to have an effect on normal RNA splicing. This nucleotide position exhibits low evolutionary conservation.

Institute for Biomarker Research, Medical Diagnostic Laboratories, L.L.C.
Classification: Likely benign for Hereditary cancer-predisposing syndrome. Last evaluated: 2023-09-05. Review status: criteria provided, single submitter. Criteria: ACMG Guidelines, 2015. Collection method: clinical testing. Allele origin: germline.

Genome-Nilou Lab
Classification: Benign for Neurofibromatosis, type 1. Last evaluated: 2022-03-15. Review status: criteria provided, single submitter. Criteria: ACMG Guidelines, 2015. Collection method: clinical testing. Allele origin: germline. Affected: no.

Sema4
Classification: Benign for Hereditary cancer-predisposing syndrome. Last evaluated: 2021-06-10. Review status: criteria provided, single submitter. Criteria: Sema4 Curation Guidelines. Collection method: curation. Allele origin: germline.

GeneDx
Classification: Likely benign. Last evaluated: 2021-05-17. Review status: criteria provided, single submitter. Criteria: GeneDx Variant Classification Process June 2021. Collection method: clinical testing. Allele origin: germline. Affected: yes.
Comment: This variant is associated with the following publications: (PMID: 27534895)

Genome Diagnostics Laboratory, The Hospital for Sick Children
Classification: Likely benign for Neurofibromatosis, type 1. Last evaluated: 2020-10-26. Review status: criteria provided, single submitter. Criteria: ACMG Guidelines, 2015. Collection method: clinical testing. Allele origin: germline. Affected: yes.

Women's Health and Genetics/Laboratory Corporation of America, LabCorp
Classification: Likely benign. Last evaluated: 2020-10-08. Review status: criteria provided, single submitter. Criteria: LabCorp Variant Classification Summary - May 2015. Collection method: clinical testing. Allele origin: germline.

Center for Human Genetics, Inc
Classification: Likely benign for Neurofibromatosis, type 1. Last evaluated: 2016-11-01. Review status: criteria provided, single submitter. Criteria: ACMG Guidelines, 2015. Collection method: clinical testing. Allele origin: germline. Affected: yes.

Ambry Genetics
Classification: Likely benign for Hereditary cancer-predisposing syndrome. Last evaluated: 2014-11-21. Review status: criteria provided, single submitter. Criteria: Ambry Autosomal Dominant and X-Linked criteria (10/2015). Collection method: clinical testing. Allele origin: germline. Observed: 1 variant allele.

Literature cited by the submitters: PubMed 10678181 (cited by Women's Health and Genetics/Laboratory Corporation of America, LabCorp); PubMed 23460398 (cited by Women's Health and Genetics/Laboratory Corporation of America, LabCorp); PubMed 29872168 (cited by Women's Health and Genetics/Laboratory Corporation of America, LabCorp); PubMed 27069254 (cited by Women's Health and Genetics/Laboratory Corporation of America, LabCorp).

NM_001042492.3(NF1):c.1599C>G (p.Val533=)

Gene: NF1 (neurofibromin 1; plus strand). Cytogenetic location: 17q11.2.
Variant type: single nucleotide variant.
Coding change: c.1599C>G on transcript NM_001042492.3 (MANE Select); coding-DNA position 1599, C replaced by G.
Protein change: p.Val533=; no amino-acid change (valine 533 retained).
Molecular consequence: synonymous variant.
Genome position (GRCh38, 1-based): chr17:31,219,076, C>G. VCF-style: chr17-31219076-C-G. GRCh37 (hg19) VCF-style: chr17-29546094-C-G.
Other names: c.1599C>G, p.Val533= (NM_000267.4, NM_001128147.3).
Identifiers: ClinVar variation 184523 (VCV000184523.23), dbSNP rs369458366, ClinGen allele CA189193.